The following is an entry in ClinVar:

ClinVar aggregate classification (germline): Conflicting classifications of pathogenicity. Review status: criteria provided, conflicting classifications (1 of 4 stars). 2 submissions from 2 submitters: Uncertain significance (1); Likely benign (1). Last evaluated 2024-11-11.

Conditions:
Hereditary sensory and autonomic neuropathy type 6. Also called: Neuropathy, hereditary sensory and autonomic, type VI; HSAN VI. Identifiers: Orphanet 314381, MedGen C3539003, MONDO:0013839, OMIM 614653.
Epidermolysis bullosa simplex 3, localized or generalized intermediate, with BP230 deficiency (EBS3). Also called: Epidermolysis bullosa simplex, autosomal recessive 2; Epidermolysis bullosa simplex due to BP230 deficiency. Identifiers: Orphanet 412181, MedGen C3809470, MONDO:0014180, OMIM 615425.

Allele frequency attached by ClinVar (database versions not stated): gnomAD exomes 0.00001; ExAC 0.00002; gnomAD 0.00008; TOPMed 0.00009.
gnomAD v4.1: 27 of 1,592,892 alleles (0.0017%); highest among the groups gnomAD compares: African/African-American, 0.035%; no homozygotes.

Submissions (2):

Labcorp Genetics (formerly Invitae), Labcorp
Classification: Uncertain significance for Epidermolysis bullosa simplex 3, localized or generalized intermediate, with BP230 deficiency; Hereditary sensory and autonomic neuropathy type 6. Last evaluated: 2024-11-11. Review status: criteria provided, single submitter. Criteria: Invitae Variant Classification Sherloc (09022015). Collection method: clinical testing. Allele origin: germline.
Comment: The DST gene has multiple clinically relevant transcripts. This variant occurs in alternate transcript NM_015548.4, and corresponds to NM_001723.5:c.*45679A>T in the primary transcript. This sequence change falls in intron 35 of the DST gene. It does not directly change the encoded amino acid sequence of the DST protein. This variant is present in population databases (rs542659974, gnomAD 0.05%). This variant has not been reported in the literature in individuals affected with DST-related conditions. Experimental studies and prediction algorithms are not available or were not evaluated, and the effect of this variant on mRNA splicing is currently unknown. In summary, the available evidence is currently insufficient to determine the role of this variant in disease. Therefore, it has been classified as a Variant of Uncertain Significance.

Blueprint Genetics
Classification: Likely benign. Last evaluated: 2024-02-02. Review status: criteria provided, single submitter. Criteria: ACMG Guidelines, 2015. Collection method: clinical testing. Allele origin: germline.

NM_001374736.1(DST):c.13878+18A>T

Gene: DST (dystonin; minus strand). Cytogenetic location: 6p12.1.
Variant type: single nucleotide variant.
Coding change: c.13878+18A>T on transcript NM_001374736.1 (MANE Select); 18 bases into the intron after coding-DNA position 13878, A replaced by T.
Molecular consequence: intron variant.
Genome position (GRCh38, 1-based): chr6:56,569,838, T>A on the plus strand (A>T on the coding strand, the complement: DST is on the minus strand). VCF-style: chr6-56569838-T-A. GRCh37 (hg19) VCF-style: chr6-56434636-T-A.
Other names: c.6009+18A>T (NM_015548.5); c.7521+18A>T (NM_001144769.5); c.13878+18A>T (NM_001374722.1); c.13905+18A>T (NM_001374734.1); c.7107+18A>T (NM_001144770.2); c.6987+18A>T (NM_001374730.1, NM_001386100.1, NM_183380.4); c.13245+18A>T (NM_001374729.1).
Identifiers: ClinVar variation 2927444 (VCV002927444.4), dbSNP rs542659974, ClinGen allele CA3868152.
Genomic context (GRCh38, chr6:56,569,838, plus strand): 5'-AAAGAAAACTACCATTAGTCTTTTAATCTTTCATTATTGACACAAATGGAAATTTAGTAT[T>A]AGATAACAATGATTCACCTTAGTGTCTTCCAAAGATTTTCCTAAATCCTCTGCACCAAAA-3'